The following is an entry in ClinVar:

ClinVar aggregate classification (germline): Pathogenic (1 of 4 stars; one submission).

Conditions:
Hereditary cancer-predisposing syndrome. Also called: Neoplastic Syndromes, Hereditary; Tumor predisposition; Hereditary neoplastic syndrome; Hereditary Cancer Syndrome. Identifiers: Orphanet 140162, MedGen C0027672, MeSH D009386, MONDO:0015356.

Submission:

Ambry Genetics
Classification: Pathogenic for Hereditary cancer-predisposing syndrome. Last evaluated: 2019-12-16. Review status: criteria provided, single submitter. Criteria: Ambry Variant Classification Scheme 2023. Collection method: clinical testing. Allele origin: germline.
Comment: The c.3681_3687delTGAATAC pathogenic mutation, located in coding exon 24 of the ATM gene, results from a deletion of 7 nucleotides at nucleotide positions 3681 to 3687, causing a translational frameshift with a predicted alternate stop codon (p.E1228Tfs*10). This alteration is expected to result in loss of function by premature protein truncation or nonsense-mediated mRNA decay. As such, this alteration is interpreted as a disease-causing mutation.

NM_000051.4(ATM):c.3681_3687del (p.Glu1228fs)

Gene: ATM (ATM serine/threonine kinase; plus strand). Cytogenetic location: 11q22.3.
Variant type: Deletion.
Coding change: c.3681_3687del on transcript NM_000051.4 (MANE Select); coding-DNA positions 3681 to 3687, 7 bases deleted (TGAATAC; older notation c.3681_3687delTGAATAC).
Protein change: p.Glu1228fs; shifts the reading frame from glutamic acid 1228.
Molecular consequence: frameshift variant.
Genome position (GRCh38, 1-based): chr11:108,282,814-108,282,820, TGAATAC deleted; deleting any 7 consecutive bases within chr11:108,282,810-108,282,820 gives the same sequence; the c. name uses the placement nearest the transcript's 3' end. VCF-style (leftmost placement, unchanged base first): chr11-108282809-GATACTGA-G. GRCh37 (hg19) VCF-style: chr11-108153536-GATACTGA-G.
Other names: c.3681_3687del, p.Glu1228fs (NM_001351834.2); short protein forms E1228fs.
Identifiers: ClinVar variation 824066 (VCV000824066.4), dbSNP rs1591641462, ClinGen allele CA915944400.